The following is an entry in ClinVar:

ClinVar aggregate classification (germline): Uncertain significance. Review status: criteria provided, multiple submitters, no conflicts (2 of 4 stars). 2 submissions from 2 submitters: Uncertain significance (2). Last evaluated 2025-04-30.

Allele frequency attached by ClinVar (database versions not stated): gnomAD exomes below 0.00001.
gnomAD v4.1: 2 of 1,613,994 alleles (0.00012%); highest among the groups gnomAD compares: Non-Finnish European, 0.00017%; no homozygotes.

Submissions (2):

GeneDx
Classification: Uncertain significance. Last evaluated: 2025-04-30. Review status: criteria provided, single submitter. Criteria: GeneDx Variant Classification Process June 2021. Collection method: clinical testing. Allele origin: germline. Affected: yes.
Comment: Not observed at significant frequency in large population cohorts (gnomAD); In silico analysis supports that this missense variant has a deleterious effect on protein structure/function; Has not been previously published as pathogenic or benign to our knowledge

Labcorp Genetics (formerly Invitae), Labcorp
Classification: Uncertain significance. Last evaluated: 2023-02-27. Review status: criteria provided, single submitter. Criteria: Invitae Variant Classification Sherloc (09022015). Collection method: clinical testing. Allele origin: germline.
Comment: In summary, the available evidence is currently insufficient to determine the role of this variant in disease. Therefore, it has been classified as a Variant of Uncertain Significance. Advanced modeling of protein sequence and biophysical properties (such as structural, functional, and spatial information, amino acid conservation, physicochemical variation, residue mobility, and thermodynamic stability) performed at Invitae indicates that this missense variant is not expected to disrupt COL11A1 protein function. This variant has not been reported in the literature in individuals affected with COL11A1-related conditions. This variant is not present in population databases (gnomAD no frequency). This sequence change replaces proline, which is neutral and non-polar, with alanine, which is neutral and non-polar, at codon 1113 of the COL11A1 protein (p.Pro1113Ala).

NM_001854.4(COL11A1):c.3337C>G (p.Pro1113Ala)

Gene: COL11A1 (collagen type XI alpha 1 chain; minus strand). Cytogenetic location: 1p21.1.
Variant type: single nucleotide variant.
Coding change: c.3337C>G on transcript NM_001854.4 (MANE Select); coding-DNA position 3337, C replaced by G.
Protein change: p.Pro1113Ala; replaces proline 1113 with alanine.
Molecular consequence: missense variant. On other transcripts: non-coding transcript variant (1).
Genome position (GRCh38, 1-based): chr1:102,940,374, G>C on the plus strand (C>G on the coding strand, the complement: COL11A1 is on the minus strand). VCF-style: chr1-102940374-G-C. GRCh37 (hg19) VCF-style: chr1-103405930-G-C.
Other names: c.2989C>G, p.Pro997Ala (NM_001168249.1, NM_080630.4); c.3220C>G, p.Pro1074Ala (NM_001190709.2); c.3373C>G, p.Pro1125Ala (NM_080629.3); c.3337C>G (NM_001854.3); short protein forms P1074A, P1113A, P1125A, P997A.
Identifiers: ClinVar variation 2794427 (VCV002794427.4), dbSNP rs2524738122, ClinGen allele CA341169847.